The following is an entry in ClinVar:

NM_020987.5(ANK3):c.6197G>C (p.Arg2066Thr)

Gene: ANK3 (ankyrin 3; minus strand). Cytogenetic location: 10q21.2.
Variant type: single nucleotide variant.
Coding change: c.6197G>C on transcript NM_020987.5 (MANE Select); coding-DNA position 6197, G replaced by C.
Protein change: p.Arg2066Thr; replaces arginine 2066 with threonine.
Molecular consequence: missense variant. On other transcripts: intron variant (4).
Genome position (GRCh38, 1-based): chr10:60,074,684, C>G on the plus strand (G>C on the coding strand, the complement: ANK3 is on the minus strand). VCF-style: chr10-60074684-C-G. GRCh37 (hg19) VCF-style: chr10-61834442-C-G.
Other names: c.6197G>C (NM_020987.3); c.4387+5853G>C (NM_001204403.2); c.4408+5853G>C (NM_001204404.2); c.4405+5853G>C (NM_001320874.2); c.1807+5853G>C (NM_001149.4); short protein forms R2066T.
Identifiers: ClinVar variation 2132153 (VCV002132153.5), dbSNP rs2492564037, ClinGen allele CA377013884.

ClinVar aggregate classification (germline): Uncertain significance. Review status: criteria provided, multiple submitters, no conflicts (2 of 4 stars). 2 submissions from 2 submitters: Uncertain significance (2). Last evaluated 2025-03-13.

Submissions (2):

GeneDx
Classification: Uncertain significance. Last evaluated: 2025-03-13. Review status: criteria provided, single submitter. Criteria: GeneDx Variant Classification Process June 2021. Collection method: clinical testing. Allele origin: germline. Affected: yes.
Comment: Not observed at significant frequency in large population cohorts (gnomAD); In silico analysis indicates that this missense variant does not alter protein structure/function; Has not been previously published as pathogenic or benign to our knowledge

Labcorp Genetics (formerly Invitae), Labcorp
Classification: Uncertain significance. Last evaluated: 2022-10-17. Review status: criteria provided, single submitter. Criteria: Invitae Variant Classification Sherloc (09022015). Collection method: clinical testing. Allele origin: germline.
Comment: In summary, the available evidence is currently insufficient to determine the role of this variant in disease. Therefore, it has been classified as a Variant of Uncertain Significance. Advanced modeling of protein sequence and biophysical properties (such as structural, functional, and spatial information, amino acid conservation, physicochemical variation, residue mobility, and thermodynamic stability) performed at Invitae indicates that this missense variant is not expected to disrupt ANK3 protein function. This variant has not been reported in the literature in individuals affected with ANK3-related conditions. This variant is not present in population databases (gnomAD no frequency). This sequence change replaces arginine, which is basic and polar, with threonine, which is neutral and polar, at codon 2066 of the ANK3 protein (p.Arg2066Thr).